The following is an entry in ClinVar:

NM_001289125.3(IFNAR2):c.733G>C (p.Gly245Arg)

Genes: IFNAR2 (interferon alpha and beta receptor subunit 2; plus strand), IFNAR2-IL10RB (IFNAR2-IL10RB readthrough; plus strand). Cytogenetic location: 21q22.11.
Variant type: single nucleotide variant.
Coding change: c.733G>C on transcript NM_001289125.3 (MANE Select); coding-DNA position 733, G replaced by C.
Protein change: p.Gly245Arg; replaces glycine 245 with arginine.
Molecular consequence: missense variant. On other transcripts: intron variant (3).
Genome position (GRCh38, 1-based): chr21:33,260,620, G>C. VCF-style: chr21-33260620-G-C. GRCh37 (hg19) VCF-style: chr21-34632925-G-C.
Other names: c.710-2173G>C (NM_001289126.2, NM_001289128.2); c.733G>C, p.Gly245Arg (NM_000874.5, NM_001385055.1, NM_207584.3 and 1 more transcripts); c.710-1941G>C (NM_001385054.1); c.733G>C (NM_207585.2); short protein forms G245R.
Identifiers: ClinVar variation 1321333 (VCV001321333.11), dbSNP rs138402252, ClinGen allele CA10005777.

ClinVar aggregate classification (germline): Conflicting classifications of pathogenicity. Review status: criteria provided, conflicting classifications (1 of 4 stars). 3 submissions from 3 submitters: Uncertain significance (1); Likely benign (1). 1 of the submissions does not count toward it. Last evaluated 2026-01-30.

Conditions:
Multisystem inflammatory syndrome in children. Identifiers: MedGen C5391534.

Allele frequency attached by ClinVar (database versions not stated): 1000 Genomes Project 0.00020; 1000 Genomes Project 30x 0.00031; TOPMed 0.00034; gnomAD 0.00038 and 0.00036; ESP Exome Variant Server 0.00054.
gnomAD v4.1: 664 of 1,584,368 alleles (0.042%); highest among the groups gnomAD compares: Middle Eastern, 0.15%; 2 homozygotes.

Submissions (3):

GeneDx
Classification: Uncertain significance. Last evaluated: 2026-01-30. Review status: criteria provided, single submitter. Criteria: GeneDx Variant Classification Process June 2021. Collection method: clinical testing. Allele origin: germline.
Comment: Reported in patients with multisystem inflammatory syndrome in children in published literature (PMID: 35639375); In silico analysis supports that this missense variant has a deleterious effect on protein structure/function; This variant is associated with the following publications: (PMID: 35639375)

Labcorp Genetics (formerly Invitae), Labcorp
Classification: Likely benign. Last evaluated: 2026-01-20. Review status: criteria provided, single submitter. Criteria: Invitae Variant Classification Sherloc (09022015). Collection method: clinical testing. Allele origin: germline.

Dubai Health Genomic Medicine Center, Dubai Health
Classification: risk factor for Multisystem inflammatory syndrome in children. Last evaluated: 2021-11-14. Review status: no assertion criteria provided. Collection method: research. Allele origin: germline. Affected: yes. Not counted in ClinVar's aggregate classification.